The following is an entry in ClinVar:

NM_005912.3(MC4R):c.875del (p.Met292fs)

Gene: MC4R (melanocortin 4 receptor; minus strand). Cytogenetic location: 18q21.32.
Variant type: Deletion.
Coding change: c.875del on transcript NM_005912.3 (MANE Select); coding-DNA position 875, one base deleted (T; older notation c.875delT).
Protein change: p.Met292fs; shifts the reading frame from methionine 292.
Molecular consequence: frameshift variant.
Genome position (GRCh38, 1-based): chr18:60,371,475, A deleted on the plus strand (T on the coding strand, the reverse complement: MC4R is on the minus strand). VCF-style (leftmost placement, unchanged base first): chr18-60371474-CA-C. GRCh37 (hg19) VCF-style: chr18-58038707-CA-C.
Other names: short protein forms M292fs.
Identifiers: ClinVar variation 4990443 (VCV004990443.1).

ClinVar aggregate classification (germline): Pathogenic (1 of 4 stars; one submission).

Conditions:
MC4R-related disorder. Also called: MC4R-related condition.

Submission:

PreventionGenetics, part of Exact Sciences
Classification: Pathogenic for MC4R-related condition. Last evaluated: 2025-08-25. Review status: criteria provided, single submitter. Criteria: ACMG Guidelines, 2015. Collection method: clinical testing. Allele origin: germline.
Comment: The MC4R c.875delT variant is predicted to result in a frameshift and premature protein termination (p.Met292Serfs*9). To our knowledge, this variant has not been reported in the literature. This variant is reported in 0.0018% of alleles in individuals of European (Non-Finnish) descent in gnomAD. Frameshift variants in MC4R that terminate before amino acid 31i8 are expected to be pathogenic. This variant is interpreted as pathogenic.